The following is an entry in ClinVar:

NM_020376.4(PNPLA2):c.448G>T (p.Val150Leu)

Gene: PNPLA2 (patatin like domain 2, triacylglycerol lipase; plus strand). Cytogenetic location: 11p15.5.
Variant type: single nucleotide variant.
Coding change: c.448G>T on transcript NM_020376.4 (MANE Select); coding-DNA position 448, G replaced by T.
Protein change: p.Val150Leu; replaces valine 150 with leucine.
Molecular consequence: missense variant.
Genome position (GRCh38, 1-based): chr11:821,985, G>T. VCF-style: chr11-821985-G-T. GRCh37 (hg19) VCF-style: chr11-821985-G-T.
Other names: short protein forms V150L.
Identifiers: ClinVar variation 1483126 (VCV001483126.6), dbSNP rs745927123, ClinGen allele CA378978825.
Genomic context (GRCh38, chr11:821,985, plus strand): 5'-CTCATTCTCTCCCACTCTGTCCCTGCCCTGAAGGCCAATGTCTGCAGCGGTTTCATCCCC[G>T]TGTACTGTGGGCTCATCCCTCCCTCCCTCCAGGGGGTGGTGAGTATTCCTAGCCCTGGAC-3'
Protein context (NP_065109.1, residues 140-160): QANVCSGFIP[Val150Leu]YCGLIPPSLQ

ClinVar aggregate classification (germline): Uncertain significance (1 of 4 stars; one submission).

Conditions:
Neutral lipid storage myopathy (NLSDM). Also called: NEUTRAL LIPID STORAGE DISEASE WITHOUT ICHTHYOSIS. Identifiers: Orphanet 98908, MedGen C1853136, MONDO:0012545, OMIM 610717.

gnomAD v4.1: 1 of 1,613,808 alleles (0.000062%); highest among the groups gnomAD compares: Non-Finnish European, 0.000085%; no homozygotes.

Submission:

Labcorp Genetics (formerly Invitae), Labcorp
Classification: Uncertain significance for Neutral lipid storage myopathy. Last evaluated: 2025-03-31. Review status: criteria provided, single submitter. Criteria: Invitae Variant Classification Sherloc (09022015). Collection method: clinical testing. Allele origin: germline.
Comment: This sequence change replaces valine, which is neutral and non-polar, with leucine, which is neutral and non-polar, at codon 150 of the PNPLA2 protein (p.Val150Leu). This variant is not present in population databases (gnomAD no frequency). This variant has not been reported in the literature in individuals affected with PNPLA2-related conditions. ClinVar contains an entry for this variant (Variation ID: 1483126). Invitae Evidence Modeling of protein sequence and biophysical properties (such as structural, functional, and spatial information, amino acid conservation, physicochemical variation, residue mobility, and thermodynamic stability) indicates that this missense variant is not expected to disrupt PNPLA2 protein function with a negative predictive value of 80%. In summary, the available evidence is currently insufficient to determine the role of this variant in disease. Therefore, it has been classified as a Variant of Uncertain Significance.